The following is an entry in ClinVar:

ClinVar aggregate classification (germline): Uncertain significance (1 of 4 stars; one submission).

Conditions:
Chédiak-Higashi syndrome (CHS). Also called: Chediak-Higashi Syndrome. Identifiers: Orphanet 167, MedGen C0007965, MONDO:0008963, OMIM 214500.

Allele frequency attached by ClinVar (database versions not stated): TOPMed below 0.00001; gnomAD exomes 0.00001; ExAC 0.00002.
gnomAD v4.1: 9 of 1,614,150 alleles (0.00056%); highest among the groups gnomAD compares: Admixed American, 0.013%; no homozygotes.

Submission:

Labcorp Genetics (formerly Invitae), Labcorp
Classification: Uncertain significance for Chédiak-Higashi syndrome. Last evaluated: 2022-08-13. Review status: criteria provided, single submitter. Criteria: Invitae Variant Classification Sherloc (09022015). Collection method: clinical testing. Allele origin: germline.
Comment: This sequence change replaces histidine, which is basic and polar, with arginine, which is basic and polar, at codon 1468 of the LYST protein (p.His1468Arg). This variant is present in population databases (rs749813479, gnomAD 0.02%). This missense change has been observed in individual(s) with neutropenia (PMID: 33217554). ClinVar contains an entry for this variant (Variation ID: 862302). Algorithms developed to predict the effect of missense changes on protein structure and function are either unavailable or do not agree on the potential impact of this missense change (SIFT: "Deleterious"; PolyPhen-2: "Probably Damaging"; Align-GVGD: "Class C0"). In summary, the available evidence is currently insufficient to determine the role of this variant in disease. Therefore, it has been classified as a Variant of Uncertain Significance.

Literature cited by the submitters: PubMed 33217554.

NM_000081.4(LYST):c.4403A>G (p.His1468Arg)

Gene: LYST (lysosomal trafficking regulator; minus strand). Cytogenetic location: 1q42.3.
Variant type: single nucleotide variant.
Coding change: c.4403A>G on transcript NM_000081.4 (MANE Select); coding-DNA position 4403, A replaced by G.
Protein change: p.His1468Arg; replaces histidine 1468 with arginine.
Molecular consequence: missense variant.
Genome position (GRCh38, 1-based): chr1:235,791,839, T>C on the plus strand (A>G on the coding strand, the complement: LYST is on the minus strand). VCF-style: chr1-235791839-T-C. GRCh37 (hg19) VCF-style: chr1-235955139-T-C.
Other names: c.4403A>G, p.His1468Arg (NM_001301365.1); short protein forms H1468R.
Identifiers: ClinVar variation 862302 (VCV000862302.5), dbSNP rs749813479, ClinGen allele CA1466851.
Genomic context (GRCh38, chr1:235,791,839, plus strand): 5'-TCAGCTTCATGGATACACTCCACATTAAACCACAGGGAAACACTGAAACCTTCTGATAGG[T>C]GTGGCCAGCAGTTTTGCCCCAGCAACGGCAGGTGGACTGGGGCTATGTGCCAAGATGAAA-3'
Protein context (NP_000072.2, residues 1458-1478): LPLLGQNCWP[His1468Arg]LSEGFSVSLW